The following is an entry in ClinVar:

ClinVar aggregate classification (germline): Uncertain significance (1 of 4 stars; one submission).

Allele frequency attached by ClinVar (database versions not stated): gnomAD 0.00001; ExAC 0.00003; gnomAD exomes 0.00003.
gnomAD v4.1: 33 of 1,578,172 alleles (0.0021%); highest among the groups gnomAD compares: South Asian, 0.037%; no homozygotes.

Submission:

Labcorp Genetics (formerly Invitae), Labcorp
Classification: Uncertain significance. Last evaluated: 2021-07-01. Review status: criteria provided, single submitter. Criteria: Invitae Variant Classification Sherloc (09022015). Collection method: clinical testing. Allele origin: germline.
Comment: This sequence change replaces asparagine with lysine at codon 641 of the HELLS protein (p.Asn641Lys). The asparagine residue is weakly conserved and there is a moderate physicochemical difference between asparagine and lysine. This variant is present in population databases (rs771583849, ExAC 0.02%). This variant has not been reported in the literature in individuals affected with HELLS-related conditions. Algorithms developed to predict the effect of missense changes on protein structure and function output the following: SIFT: "Tolerated"; PolyPhen-2: "Benign"; Align-GVGD: "Class C0". The lysine amino acid residue is found in multiple mammalian species, which suggests that this missense change does not adversely affect protein function. In summary, the available evidence is currently insufficient to determine the role of this variant in disease. Therefore, it has been classified as a Variant of Uncertain Significance.

NM_018063.5(HELLS):c.1923C>G (p.Asn641Lys)

Gene: HELLS (helicase, lymphoid specific; plus strand). Cytogenetic location: 10q23.33.
Variant type: single nucleotide variant.
Coding change: c.1923C>G on transcript NM_018063.5 (MANE Select); coding-DNA position 1923, C replaced by G.
Protein change: p.Asn641Lys; replaces asparagine 641 with lysine.
Molecular consequence: missense variant.
Genome position (GRCh38, 1-based): chr10:94,592,466, C>G. VCF-style: chr10-94592466-C-G. GRCh37 (hg19) VCF-style: chr10-96352223-C-G.
Other names: c.2061C>G, p.Asn687Lys (NM_001289067.2); c.1875C>G, p.Asn625Lys (NM_001289068.2); c.1827C>G, p.Asn609Lys (NM_001289069.2); c.1629C>G, p.Asn543Lys (NM_001289070.2); c.1551C>G, p.Asn517Lys (NM_001289071.2); c.1533C>G, p.Asn511Lys (NM_001289072.2); c.1509C>G, p.Asn503Lys (NM_001289073.2); c.840C>G, p.Asn280Lys (NM_001289074.2); and 1 more; short protein forms N543K, N609K, N235K, N625K, N280K, N503K, N511K, N517K.
Identifiers: ClinVar variation 1359547 (VCV001359547.6), dbSNP rs771583849, ClinGen allele CA5615615.